The following is an entry in ClinVar:

NM_017617.5(NOTCH1):c.4021G>T (p.Glu1341Ter)

Gene: NOTCH1 (notch receptor 1; minus strand). Cytogenetic location: 9q34.3.
Variant type: single nucleotide variant.
Coding change: c.4021G>T on transcript NM_017617.5 (MANE Select); coding-DNA position 4021, G replaced by T.
Protein change: p.Glu1341Ter; replaces glutamic acid 1341 with a stop codon.
Molecular consequence: nonsense.
Genome position (GRCh38, 1-based): chr9:136,505,875, C>A on the plus strand (G>T on the coding strand, the complement: NOTCH1 is on the minus strand). VCF-style: chr9-136505875-C-A. GRCh37 (hg19) VCF-style: chr9-139400327-C-A.
Other names: short protein forms E1341*.
Identifiers: ClinVar variation 2822065 (VCV002822065.3), dbSNP rs372767143, ClinGen allele CA375548410.

ClinVar aggregate classification (germline): Pathogenic (1 of 4 stars; one submission).

Conditions:
Adams-Oliver syndrome 5 (AOS5). Identifiers: Orphanet 974, MedGen C4014970, MONDO:0014459, OMIM 616028.

Submission:

Labcorp Genetics (formerly Invitae), Labcorp
Classification: Pathogenic for Adams-Oliver syndrome 5. Last evaluated: 2023-01-25. Review status: criteria provided, single submitter. Criteria: Invitae Variant Classification Sherloc (09022015). Collection method: clinical testing. Allele origin: germline.
Comment: For these reasons, this variant has been classified as Pathogenic. This sequence change creates a premature translational stop signal (p.Glu1341*) in the NOTCH1 gene. It is expected to result in an absent or disrupted protein product. Loss-of-function variants in NOTCH1 are known to be pathogenic (PMID: 16025100, 21457232, 25132448, 25963545). This variant is not present in population databases (gnomAD no frequency). This variant has not been reported in the literature in individuals affected with NOTCH1-related conditions. Algorithms developed to predict the effect of sequence changes on RNA splicing suggest that this variant may create or strengthen a splice site.

Literature cited by the submitters: PubMed 16025100; PubMed 21457232; PubMed 25132448; PubMed 25963545.